The following is an entry in ClinVar:

ClinVar aggregate classification (germline): Pathogenic (1 of 4 stars; one submission).

Conditions:
LAMA2-related muscular dystrophy (LAMA2-RD). Also called: Laminin alpha 2-related dystrophy. Identifiers: MedGen C5679788, MONDO:0100228.

Submission:

Labcorp Genetics (formerly Invitae), Labcorp
Classification: Pathogenic for LAMA2-related muscular dystrophy. Last evaluated: 2019-12-22. Review status: criteria provided, single submitter. Criteria: Invitae Variant Classification Sherloc (09022015). Collection method: clinical testing. Allele origin: germline.
Comment: This sequence change creates a premature translational stop signal (p.Phe397Serfs*26) in the LAMA2 gene. It is expected to result in an absent or disrupted protein product. This variant is not present in population databases (ExAC no frequency). This variant has not been reported in the literature in individuals with LAMA2-related conditions. Loss-of-function variants in LAMA2 are known to be pathogenic (PMID: 18700894). For these reasons, this variant has been classified as Pathogenic.

Literature cited by the submitters: PubMed 18700894.

NM_000426.4(LAMA2):c.1190del (p.Phe397fs)

Gene: LAMA2 (laminin subunit alpha 2; plus strand). Cytogenetic location: 6q22.33.
Variant type: Deletion.
Coding change: c.1190del on transcript NM_000426.4 (MANE Select); coding-DNA position 1190, one base deleted (T; older notation c.1190delT).
Protein change: p.Phe397fs; shifts the reading frame from phenylalanine 397.
Molecular consequence: frameshift variant.
Genome position (GRCh38, 1-based): chr6:129,154,667, T deleted; the last of 2 consecutive T bases (chr6:129,154,666-129,154,667); deleting either gives the same sequence. VCF-style (leftmost placement, unchanged base first): chr6-129154665-CT-C. GRCh37 (hg19) VCF-style: chr6-129475810-CT-C.
Other names: c.1190del, p.Phe397fs (NM_001079823.2); short protein forms F397fs.
Identifiers: ClinVar variation 835404 (VCV000835404.3), dbSNP rs1779001902, ClinGen allele CA916081484.